The following is an entry in ClinVar:

NM_003470.3(USP7):c.1934A>G (p.Asn645Ser)

Gene: USP7 (ubiquitin specific peptidase 7; minus strand). Cytogenetic location: 16p13.2.
Variant type: single nucleotide variant.
Coding change: c.1934A>G on transcript NM_003470.3 (MANE Select); coding-DNA position 1934, A replaced by G.
Protein change: p.Asn645Ser; replaces asparagine 645 with serine.
Molecular consequence: missense variant. On other transcripts: non-coding transcript variant (1).
Genome position (GRCh38, 1-based): chr16:8,902,388, T>C on the plus strand (A>G on the coding strand, the complement: USP7 is on the minus strand). VCF-style: chr16-8902388-T-C. GRCh37 (hg19) VCF-style: chr16-8996245-T-C.
Other names: c.1886A>G, p.Asn629Ser (NM_001286457.2); c.1637A>G, p.Asn546Ser (NM_001286458.2); c.1760A>G, p.Asn587Ser (NM_001321858.2); short protein forms N587S, N645S, N629S, N546S.
Identifiers: ClinVar variation 2458093 (VCV002458093.5), dbSNP rs370128581, ClinGen allele CA7895215.

ClinVar aggregate classification (germline): Conflicting classifications of pathogenicity. Review status: criteria provided, conflicting classifications (1 of 4 stars). 2 submissions from 2 submitters: Uncertain significance (1); Likely benign (1). Last evaluated 2023-11-17.

Conditions:
Inborn genetic diseases. Identifiers: MedGen C0950123, MeSH D030342.

Allele frequency attached by ClinVar (database versions not stated): gnomAD exomes 0.00002; ExAC 0.00004; TOPMed 0.00004; gnomAD 0.00005; ESP Exome Variant Server 0.00008.
gnomAD v4.1: 41 of 1,613,926 alleles (0.0025%); highest among the groups gnomAD compares: Middle Eastern, 0.016%; no homozygotes.

Submissions (2):

Labcorp Genetics (formerly Invitae), Labcorp
Classification: Uncertain significance. Last evaluated: 2023-11-17. Review status: criteria provided, single submitter. Criteria: Invitae Variant Classification Sherloc (09022015). Collection method: clinical testing. Allele origin: germline.
Comment: This sequence change replaces asparagine, which is neutral and polar, with serine, which is neutral and polar, at codon 645 of the USP7 protein (p.Asn645Ser). This variant is present in population databases (rs370128581, gnomAD 0.01%). This variant has not been reported in the literature in individuals affected with USP7-related conditions. ClinVar contains an entry for this variant (Variation ID: 2458093). Algorithms developed to predict the effect of missense changes on protein structure and function output the following: SIFT: "Not Available"; PolyPhen-2: "Benign"; Align-GVGD: "Not Available". The serine amino acid residue is found in multiple mammalian species, which suggests that this missense change does not adversely affect protein function. In summary, the available evidence is currently insufficient to determine the role of this variant in disease. Therefore, it has been classified as a Variant of Uncertain Significance.

Ambry Genetics
Classification: Likely benign for Inborn genetic diseases. Last evaluated: 2023-02-27. Review status: criteria provided, single submitter. Criteria: Ambry Variant Classification Scheme 2023. Collection method: clinical testing. Allele origin: germline.